The following is an entry in ClinVar:

ClinVar aggregate classification (germline): Likely pathogenic. Review status: criteria provided, single submitter (1 of 4 stars). 2 submissions from 2 submitters: Likely pathogenic (1). 1 of the submissions does not count toward it. Last evaluated 2023-10-27.

Conditions:
Primary hyperoxaluria type 3. Also called: PH III. Identifiers: Orphanet 416, Orphanet 93600, MedGen C3150878, MONDO:0013327, OMIM 613616. Disease mechanism: loss of function.

Submissions (2):

Rare Kidney Stone Consortium and the Mayo Clinic Hyperoxaluria Center, Mayo Clinic
Classification: Likely pathogenic for Primary hyperoxaluria type 3. Last evaluated: 2023-10-27. Review status: criteria provided, single submitter. Criteria: ACMG Guidelines, 2015. Collection method: clinical testing. Allele origin: germline. Affected: yes.
Comment: ACMG:PM2 PM3 PP3 PP4

Clinical Biochemistry Laboratory, Health Services Laboratory
Classification: Pathogenic for Primary hyperoxaluria, type III. Last evaluated: 2014-11-27. Review status: no assertion criteria provided. Collection method: research. Allele origin: germline. Affected: yes. Not counted in ClinVar's aggregate classification.

Literature cited by the submitters: PubMed 25644115 (cited by Rare Kidney Stone Consortium and the Mayo Clinic Hyperoxaluria Center, Mayo Clinic and Clinical Biochemistry Laboratory, Health Services Laboratory); PubMed 34805638 (cited by Rare Kidney Stone Consortium and the Mayo Clinic Hyperoxaluria Center, Mayo Clinic).

NM_138413.4(HOGA1):c.533T>C (p.Leu178Pro)

Gene: HOGA1 (4-hydroxy-2-oxoglutarate aldolase 1; plus strand). Cytogenetic location: 10q24.2.
Variant type: single nucleotide variant.
Coding change: c.533T>C on transcript NM_138413.4 (MANE Select); coding-DNA position 533, T replaced by C.
Protein change: p.Leu178Pro; replaces leucine 178 with proline.
Molecular consequence: missense variant. On other transcripts: intron variant (1).
Genome position (GRCh38, 1-based): chr10:97,599,744, T>C. VCF-style: chr10-97599744-T-C. GRCh37 (hg19) VCF-style: chr10-99359501-T-C.
Other names: c.212-2113T>C (NM_001134670.2); short protein forms L178P.
Identifiers: ClinVar variation 204282 (VCV000204282.3), dbSNP rs796052090, ClinGen allele CA203974.